The following continues an entry in ClinVar:

NM_004004.6(GJB2):c.235del (p.Leu79fs)

Gene: GJB2. ClinVar aggregate classification (germline): Pathogenic. Pathogenic (1).

Submissions 37 to 47 of 47:

Juno Genomics, Hangzhou Juno Genomics, Inc
Classification: Pathogenic for Autosomal recessive nonsyndromic hearing loss 1A. Review status: criteria provided, single submitter. Criteria: ACMG Guidelines, 2015. Collection method: clinical testing. Allele origin: germline. Not counted in ClinVar's aggregate classification.
Comment: Null variant in a gene where loss of function (LOF) is a known mechanism of disease.;For recessive disorders, detected in trans with a pathogenic variant.;Well-established in vitro or in vivo functional studies supportive of a damaging effect on the gene or gene product.;Allele frequency is greater than expected for disorder.

Kariminejad - Najmabadi Pathology & Genetics Center
Classification: Pathogenic for Autosomal recessive nonsyndromic hearing loss 1A. Review status: criteria provided, single submitter. Criteria: ACMG Guidelines, 2015. Collection method: clinical testing. Allele origin: germline. Affected: no. Not counted in ClinVar's aggregate classification.

Gene Friend Way, National Innovation Center
Classification: Pathogenic for Autism spectrum disorder. Last evaluated: 2023-07-28. Review status: no assertion criteria provided. Collection method: clinical testing. Allele origin: unknown. Affected: yes. Observed: 4 variant alleles. Not counted in ClinVar's aggregate classification.
Comment: Among 16 children with non-syndromic sensorineural hearing loss and carried GJB2 mutations, 44% had additional disabilities, including specific learning disability, apraxia, epileptiform aphasia, attention deficit disorder, global developmental delay, and gross motor delay (PMID: 16154643). In our study, four children diagnosed with Autism Spectrum Disorder are carriers of this rs80338943 mutation.

Center for Molecular Medicine, Children’s Hospital of Fudan University
Classification: Pathogenic for Autosomal recessive nonsyndromic hearing loss 1A. Last evaluated: 2022-03-08. Review status: no assertion criteria provided. Collection method: clinical testing. Allele origin: maternal. Affected: yes. Not counted in ClinVar's aggregate classification.

Genetic Testing Center for Deafness, Department of Otolaryngology Head & Neck Surgery, Institute of Otolaryngology, Chinese PLA General Hospital
Classification: Pathogenic for Autosomal recessive nonsyndromic hearing loss 1A. Last evaluated: 2019-02-26. Review status: no assertion criteria provided. Collection method: case-control. Allele origin: inherited. Affected: yes. Observed: 103 variant alleles. Clinical features observed: hearing loss. Not counted in ClinVar's aggregate classification.

Counsyl
Classification: Pathogenic for Autosomal dominant nonsyndromic hearing loss 3A. Last evaluated: 2016-03-08. Review status: no assertion criteria provided. Collection method: clinical testing. Allele origin: unknown. Not counted in ClinVar's aggregate classification.

Clinical Molecular Genetics Laboratory, Johns Hopkins All Children's Hospital
Classification: Pathogenic for Hearing loss. Last evaluated: 2015-03-20. Review status: no assertion criteria provided. Collection method: clinical testing. Allele origin: germline. Affected: yes. Not counted in ClinVar's aggregate classification.

OMIM
Classification: Pathogenic for DEAFNESS, AUTOSOMAL RECESSIVE 1A. Last evaluated: 2009-02-01. Review status: no assertion criteria provided. Collection method: literature only. Allele origin: germline. Not counted in ClinVar's aggregate classification.

OMIM
Classification: Pathogenic for DEAFNESS, DIGENIC, GJB2/GJB3. Last evaluated: 2009-02-01. Review status: no assertion criteria provided. Collection method: literature only. Allele origin: germline. Not counted in ClinVar's aggregate classification.

GeneReviews
No classification provided. Condition: Autosomal recessive nonsyndromic hearing loss 1A. Review status: no classification provided. Collection method: literature only. Allele origin: unknown. Not counted in ClinVar's aggregate classification.

Dubai Health Genomic Medicine Center, Dubai Health
Classification: Pathogenic for Autosomal recessive nonsyndromic hearing loss 1A. Last evaluated: 2021-01-25. Review status: flagged submission. Criteria: ACMG Guidelines, 2015. Collection method: clinical testing. Allele origin: germline. Affected: yes. Not counted in ClinVar's aggregate classification.
Comment: See HL Expert Curation: The filtering allele frequency of the p.Leu79CysfsX3 variant in the GJB2 gene is 0.55% (121/ 18870) of East Asian chromosomes by the Genome Aggregation Database which is a high enough frequency to be classified as benign based on thresholds defined by the ClinGen Hearing Loss Expert Panel for autosomal recessive hearing loss variants (BS1). The ClinGen Hearing Loss Expert Panel believes that the evidence for the pathogenicity of this variant for nonsyndromic hearing loss outweighs the high allele frequency of the variant in population databases. Therefore the BS1 code will not contribute to the overall classification. The p.Leu79CysfsX3 variant in GJB2 is predicted to cause a premature stop codon in the only exon of the gene leading to absent protein in a gene in which loss-of-function is an established mechanism (PVS1). This variant has been detected in patients with hearing loss in trans with at least 4 pathogenic or suspected-pathogenic variants (PM3_VS PMID: 10983956 10633133). A dye transfer assay a functional study has shown that the variant impacts protein function (PS3_M PMID: 12352684). In summary this variant meets criteria to be classified as pathogenic for autosomal recessive nonsyndromic hearing loss based on the ACMG/AMP criteria applied as specified by the Hearing Loss Expert Panel: PVS1 PM3_VS PS3_M BS1.
ClinVar note: Reason: This record appears to be redundant with a more recent record from the same submitter.
ClinVar note: Notes: SCV001984286 appears to be redundant with SCV002818210.

Literature cited by the submitters: PubMed 10983956 (cited by 7 submitters); PubMed 10633133 (cited by 9 submitters); PubMed 12352684 (cited by 8 submitters); PubMed 12111646 (cited by Ambry Genetics and Athena Diagnostics); PubMed 35114279 (cited by Ambry Genetics); PubMed 10501520 (cited by 5 submitters); PubMed 15479191 (cited by Labcorp Genetics (formerly Invitae), Labcorp and Athena Diagnostics); PubMed 17505205 (cited by 4 submitters); PubMed 20739944 (cited by Labcorp Genetics (formerly Invitae), Labcorp and Athena Diagnostics); PubMed 22747691 (cited by Labcorp Genetics (formerly Invitae), Labcorp and Laboratory for Molecular Medicine, Mass General Brigham Personalized Medicine); PubMed 25266519 (cited by Labcorp Genetics (formerly Invitae), Labcorp); PubMed 26061264 (cited by Labcorp Genetics (formerly Invitae), Labcorp and Athena Diagnostics); PubMed 27045574 (cited by Labcorp Genetics (formerly Invitae), Labcorp and Athena Diagnostics); PubMed 14505035 (cited by 4 submitters); PubMed 20095872 (cited by 4 submitters); PubMed 12505163 (cited by 5 submitters); PubMed 35314707 (cited by Department of Otolaryngology Head and Neck Surgery, Hainan Hospital of the Chinese People’s Liberation Army General Hospital); PubMed 19929408 (cited by Dasa); PubMed 35212567 (cited by Dasa); PubMed 31195736 (cited by Dasa); PubMed 26119842 (cited by Athena Diagnostics); PubMed 19043807 (cited by Athena Diagnostics); PubMed 26336802 (cited by Athena Diagnostics); PubMed 30589569 (cited by Athena Diagnostics); PubMed 28012523 (cited by Athena Diagnostics); PubMed 30693673 (cited by Athena Diagnostics); PubMed 10607953 (cited by 3 submitters); PubMed 12865758 (cited by Athena Diagnostics); PubMed 15700112 (cited by Athena Diagnostics); PubMed 12792423 (cited by Victorian Clinical Genetics Services, Murdoch Childrens Research Institute); PubMed 28428247 (cited by Victorian Clinical Genetics Services, Murdoch Childrens Research Institute); PubMed 31160754 (cited by Victorian Clinical Genetics Services, Murdoch Childrens Research Institute); PubMed 20497192 (cited by Myriad Genetics, Inc.); PubMed 16380907 (cited by Myriad Genetics, Inc. and GeneReviews); PubMed 15937416 (cited by Myriad Genetics, Inc.); PubMed 24013081 (cited by Women's Health and Genetics/Laboratory Corporation of America, LabCorp); PubMed 12560944 (cited by Laboratory for Molecular Medicine, Mass General Brigham Personalized Medicine); PubMed 12522692 (cited by Laboratory for Molecular Medicine, Mass General Brigham Personalized Medicine); PubMed 12384781 (cited by OMIM and GeneReviews); PubMed 19050930 (cited by OMIM and GeneReviews); PubMed 20301449 (cited by GeneReviews); NCBI Bookshelf NBK1272 (cited by GeneReviews).